The following is an entry in ClinVar:

NM_006060.6(IKZF1):c.1254C>G (p.Ile418Met)

Gene: IKZF1 (IKAROS family zinc finger 1; plus strand). Cytogenetic location: 7p12.2.
Variant type: single nucleotide variant.
Coding change: c.1254C>G on transcript NM_006060.6 (MANE Select); coding-DNA position 1254, C replaced by G.
Protein change: p.Ile418Met; replaces isoleucine 418 with methionine.
Molecular consequence: missense variant.
Genome position (GRCh38, 1-based): chr7:50,400,321, C>G. VCF-style: chr7-50400321-C-G. GRCh37 (hg19) VCF-style: chr7-50468019-C-G.
Other names: c.1128C>G, p.Ile376Met (NM_001220765.3, NM_001291837.2); c.963C>G, p.Ile321Met (NM_001220767.2); c.993C>G, p.Ile331Met (NM_001220768.2, NM_001291838.2); c.837C>G, p.Ile279Met (NM_001220770.2); c.825C>G, p.Ile275Met (NM_001220771.2, NM_001291841.1); c.867C>G, p.Ile289Met (NM_001291839.2); c.564C>G, p.Ile188Met (NM_001291840.1); c.795C>G, p.Ile265Met (NM_001291842.1); and 3 more; short protein forms I289M, I376M, I188M, I279M, I438M, I265M, I275M, I321M.
Identifiers: ClinVar variation 2116988 (VCV002116988.4), dbSNP rs1817825948, ClinGen allele CA367524767.
Genomic context (GRCh38, chr7:50,400,321, plus strand): 5'-GGACACCGAGAGCAACAACGAGGAGCAGCGCAGCGGTCTCATCTACCTGACCAACCACAT[C>G]GCCCCGCACGCGCGCAACGGGCTGTCGCTCAAGGAGGAGCACCGCGCCTACGACCTGCTG-3'
Protein context (NP_006051.1, residues 408-428): RSGLIYLTNH[Ile418Met]APHARNGLSL

ClinVar aggregate classification (germline): Uncertain significance (1 of 4 stars; one submission).

Submission:

Labcorp Genetics (formerly Invitae), Labcorp
Classification: Uncertain significance. Last evaluated: 2022-03-26. Review status: criteria provided, single submitter. Criteria: Invitae Variant Classification Sherloc (09022015). Collection method: clinical testing. Allele origin: germline.
Comment: In summary, the available evidence is currently insufficient to determine the role of this variant in disease. Therefore, it has been classified as a Variant of Uncertain Significance. Algorithms developed to predict the effect of missense changes on protein structure and function are either unavailable or do not agree on the potential impact of this missense change (SIFT: "Not Available"; PolyPhen-2: "Benign"; Align-GVGD: "Not Available"). This variant has not been reported in the literature in individuals affected with IKZF1-related conditions. This variant is not present in population databases (gnomAD no frequency). This sequence change replaces isoleucine, which is neutral and non-polar, with methionine, which is neutral and non-polar, at codon 418 of the IKZF1 protein (p.Ile418Met).